The following is an entry in ClinVar:

NM_006531.5(IFT88):c.264+1G>T

Gene: IFT88 (intraflagellar transport 88; plus strand). Cytogenetic location: 13q12.11.
Variant type: single nucleotide variant.
Coding change: c.264+1G>T on transcript NM_006531.5 (MANE Select); the canonical splice donor site of the intron after coding-DNA position 264, G replaced by T.
Molecular consequence: splice donor variant.
Genome position (GRCh38, 1-based): chr13:20,591,021, G>T. VCF-style: chr13-20591021-G-T. GRCh37 (hg19) VCF-style: chr13-21165160-G-T.
Other names: c.291+1G>T (NM_001318493.2, NM_175605.5, NM_001353570.2 and 6 more transcripts); c.264+1G>T (NM_001353568.2, NM_001353572.2, NM_001353571.2 and 1 more transcripts); c.-300+1G>T (NM_001353579.2); c.207+1G>T (NM_001353575.2, NM_001318491.2, NM_001353573.2 and 1 more transcripts).
Identifiers: ClinVar variation 3637345 (VCV003637345.2).

ClinVar aggregate classification (germline): Uncertain significance (1 of 4 stars; one submission).

Submission:

Labcorp Genetics (formerly Invitae), Labcorp
Classification: Uncertain significance. Last evaluated: 2024-05-16. Review status: criteria provided, single submitter. Criteria: Invitae Variant Classification Sherloc (09022015). Collection method: clinical testing. Allele origin: germline.
Comment: This sequence change affects a donor splice site in intron 7 of the IFT88 gene. It is expected to disrupt RNA splicing. Variants that disrupt the donor or acceptor splice site typically lead to a loss of protein function (PMID: 16199547), however the current clinical and genetic evidence is not sufficient to establish whether loss-of-function variants in IFT88 cause disease. This variant is not present in population databases (gnomAD no frequency). This variant has not been reported in the literature in individuals affected with IFT88-related conditions. Algorithms developed to predict the effect of sequence changes on RNA splicing suggest that this variant may disrupt the consensus splice site. In summary, the available evidence is currently insufficient to determine the role of this variant in disease. Therefore, it has been classified as a Variant of Uncertain Significance.

Literature cited by the submitters: PubMed 16199547.